The following is an entry in ClinVar:

ClinVar aggregate classification (germline): Uncertain significance (1 of 4 stars; one submission).

Conditions:
RASopathy. Also called: Noonan spectrum disorder; rasopathies. Identifiers: Orphanet 536391, MedGen C5555857, MONDO:0021060.

Submission:

Labcorp Genetics (formerly Invitae), Labcorp
Classification: Uncertain significance for RASopathy. Last evaluated: 2025-12-29. Review status: criteria provided, single submitter. Criteria: Invitae Variant Classification Sherloc (09022015). Collection method: clinical testing. Allele origin: germline.
Comment: This sequence change replaces serine, which is neutral and polar, with proline, which is neutral and non-polar, at codon 222 of the MAP2K1 protein (p.Ser222Pro). This variant is not present in population databases (gnomAD no frequency). This variant has not been reported in the literature in individuals affected with MAP2K1-related conditions. Invitae Evidence Modeling of protein sequence and biophysical properties (such as structural, functional, and spatial information, amino acid conservation, physicochemical variation, residue mobility, and thermodynamic stability) indicates that this missense variant is expected to disrupt MAP2K1 protein function with a positive predictive value of 95%. In summary, the available evidence is currently insufficient to determine the role of this variant in disease. Therefore, it has been classified as a Variant of Uncertain Significance.

NM_002755.4(MAP2K1):c.664T>C (p.Ser222Pro)

Gene: MAP2K1 (mitogen-activated protein kinase kinase 1; plus strand). Cytogenetic location: 15q22.31.
Variant type: single nucleotide variant.
Coding change: c.664T>C on transcript NM_002755.4 (MANE Select); coding-DNA position 664, T replaced by C.
Protein change: p.Ser222Pro; replaces serine 222 with proline.
Molecular consequence: missense variant.
Genome position (GRCh38, 1-based): chr15:66,481,850, T>C. VCF-style: chr15-66481850-T-C. GRCh37 (hg19) VCF-style: chr15-66774188-T-C.
Other names: c.520T>C, p.Ser174Pro (NM_001411065.1); short protein forms S174P, S222P.
Identifiers: ClinVar variation 4710025 (VCV004710025.1).
Genomic context (GRCh38, chr15:66,481,850, plus strand): 5'-GGGGAGATCAAGCTCTGTGACTTTGGGGTCAGCGGGCAGCTCATCGACTCCATGGCCAAC[T>C]CCTTCGTGGGCACAAGGTCCTACATGTCGGTATGAACAGAAGTTTCCATTGCTTGAGCTT-3'
Protein context (NP_002746.1, residues 212-232): SGQLIDSMAN[Ser222Pro]FVGTRSYMSP